The following is an entry in ClinVar:

NM_006901.4(MYO9A):c.5739G>A (p.Ala1913=)

Gene: MYO9A (myosin IXA; minus strand). Cytogenetic location: 15q23.
Variant type: single nucleotide variant.
Coding change: c.5739G>A on transcript NM_006901.4 (MANE Select); coding-DNA position 5739, G replaced by A.
Protein change: p.Ala1913=; no amino-acid change (alanine 1913 retained).
Molecular consequence: synonymous variant.
Genome position (GRCh38, 1-based): chr15:71,879,721, C>T on the plus strand (G>A on the coding strand, the complement: MYO9A is on the minus strand). VCF-style: chr15-71879721-C-T. GRCh37 (hg19) VCF-style: chr15-72172062-C-T.
Other names: NC_000015.9:g.72172062C>T.
Identifiers: ClinVar variation 4405278 (VCV004405278.5).
Genomic context (GRCh38, chr15:71,879,721, plus strand): 5'-GCGCTATCAAATTTTTCATATGTTGAACTACTAAATATCTCCTAACATAGTCCAACTCAC[C>T]GCCAATGCAGATGAATAAAAGCTGAAGATATTCTGCCGAAATTCCTTCAGGGCTTTTTTA-3'
Protein context (NP_008832.2, residues 1903-1923): NIFSFYSSAL[Ala1913=]MDDGKSIRYK

ClinVar aggregate classification (germline): Likely benign (1 of 4 stars; one submission).

gnomAD v4.1: 79 of 1,603,514 alleles (0.0049%); highest among the groups gnomAD compares: Non-Finnish European, 0.0054%; no homozygotes.

Submissions (2):

CeGaT Center for Human Genetics Tuebingen
Classification: Likely benign. Last evaluated: 2026-03-01. Review status: criteria provided, single submitter. Criteria: CeGaT Center For Human Genetics Tuebingen Variant Classification Criteria Version 2. Collection method: clinical testing. Allele origin: germline. Affected: yes. Observed: 1 variant allele.
Comment: MYO9A: BP4, BP7

Dr. Peter K. Rogan Lab, Western University
No classification provided (evidence only). Condition: Acute myeloid leukemia. Review status: no classification provided. Collection method: in vitro. Allele origin: not applicable. Functional consequence: retained intron. Not counted in ClinVar's aggregate classification.